The following is an entry in ClinVar:

NM_152464.3(VMA12):c.20C>T (p.Ala7Val)

Gene: VMA12 (vacuolar ATPase assembly factor VMA12; plus strand). Cytogenetic location: 17q11.2.
Variant type: single nucleotide variant.
Coding change: c.20C>T on transcript NM_152464.3 (MANE Select); coding-DNA position 20, C replaced by T.
Protein change: p.Ala7Val; replaces alanine 7 with valine.
Molecular consequence: missense variant.
Genome position (GRCh38, 1-based): chr17:28,357,690, C>T. VCF-style: chr17-28357690-C-T. GRCh37 (hg19) VCF-style: chr17-26684713-C-T.
Other names: short protein forms A7V.
Identifiers: ClinVar variation 2040797 (VCV002040797.4), dbSNP rs369488804, ClinGen allele CA8456919.

ClinVar aggregate classification (germline): Uncertain significance (1 of 4 stars; one submission).

Allele frequency attached by ClinVar (database versions not stated): TOPMed 0.00004; ESP Exome Variant Server 0.00008.
gnomAD v4.1: 30 of 1,612,628 alleles (0.0019%); highest among the groups gnomAD compares: Admixed American, 0.028%; no homozygotes.

Submission:

Labcorp Genetics (formerly Invitae), Labcorp
Classification: Uncertain significance. Last evaluated: 2023-05-08. Review status: criteria provided, single submitter. Criteria: Invitae Variant Classification Sherloc (09022015). Collection method: clinical testing. Allele origin: germline.
Comment: This sequence change replaces alanine, which is neutral and non-polar, with valine, which is neutral and non-polar, at codon 7 of the TMEM199 protein (p.Ala7Val). This variant is present in population databases (rs369488804, gnomAD 0.05%). This variant has not been reported in the literature in individuals affected with TMEM199-related conditions. ClinVar contains an entry for this variant (Variation ID: 2040797). Algorithms developed to predict the effect of missense changes on protein structure and function output the following: SIFT: "Not Available"; PolyPhen-2: "Benign"; Align-GVGD: "Not Available". The valine amino acid residue is found in multiple mammalian species, which suggests that this missense change does not adversely affect protein function. This variant disrupts the p.Ala7 amino acid residue in TMEM199. Other variant(s) that disrupt this residue have been determined to be pathogenic (PMID: 26833330, 34626841, 35401690). This suggests that this residue is clinically significant, and that variants that disrupt this residue are likely to be disease-causing. In summary, the available evidence is currently insufficient to determine the role of this variant in disease. Therefore, it has been classified as a Variant of Uncertain Significance.

Literature cited by the submitters: PubMed 26833330; PubMed 34626841; PubMed 35401690.